The following is an entry in ClinVar:

ClinVar aggregate classification (germline): Conflicting classifications of pathogenicity. Review status: criteria provided, conflicting classifications (1 of 4 stars). 5 submissions from 5 submitters: Uncertain significance (2); Likely benign (3). Last evaluated 2025-11-22.

Conditions:
Progressive familial heart block type IB (PFHB1B). Identifiers: Orphanet 871, MedGen C1970298, MONDO:0011474, OMIM 604559.

Allele frequency attached by ClinVar (database versions not stated): gnomAD 0.00009; TOPMed 0.00010.
gnomAD v4.1: 90 of 1,613,890 alleles (0.0056%); highest among the groups gnomAD compares: Middle Eastern, 0.016%; 1 homozygote.

Submissions (5):

Labcorp Genetics (formerly Invitae), Labcorp
Classification: Likely benign for Progressive familial heart block type IB. Last evaluated: 2025-11-22. Review status: criteria provided, single submitter. Criteria: Invitae Variant Classification Sherloc (09022015). Collection method: clinical testing. Allele origin: germline.

Blueprint Genetics
Classification: Likely benign. Last evaluated: 2021-08-05. Review status: criteria provided, single submitter. Criteria: ACMG Guidelines, 2015. Collection method: clinical testing. Allele origin: germline.

Clinical Genomics Laboratory, Stanford Medicine
Classification: Uncertain significance for Progressive familial heart block type IB. Last evaluated: 2021-06-16. Review status: criteria provided, single submitter. Criteria: ACMG Guidelines, 2015. Collection method: clinical testing. Allele origin: germline. Affected: yes. Observed: 1 heterozygote.
Comment: The c.2133-9C>G variant in the TRPM4 gene has not been previously reported in association with disease. This variant has been identified in 15/10,364 Ashkenazi Jewish chromosomes (25/282,680 chromosomes overall) by the Genome Aggregation Database. Although this variant has been seen in the general population, it has not been observed at a high enough frequency to rule out pathogenicity. The c.2133-9C>G variant occurs in the 3’ splice site and computational tools do not predict an impact to splicing. However, the accuracy of these computational tools is limited. These data were assessed using the ACMG/AMP variant interpretation guidelines. In summary, the significance of the c.2133-9C>G variant is uncertain. Additional information is needed to resolve the significance of this variant. [ACMG evidence codes used: None]

Illumina Laboratory Services, Illumina
Classification: Uncertain significance for Progressive familial heart block type IB. Last evaluated: 2018-01-12. Review status: criteria provided, single submitter. Criteria: ICSL Variant Classification Criteria 13 December 2019. Collection method: clinical testing. Allele origin: germline.

GeneDx
Classification: Likely benign. Last evaluated: 2017-08-21. Review status: criteria provided, single submitter. Criteria: GeneDx Variant Classification (06012015). Collection method: clinical testing. Allele origin: germline. Affected: yes.
Comment: This variant is considered likely benign or benign based on one or more of the following criteria: it is a conservative change, it occurs at a poorly conserved position in the protein, it is predicted to be benign by multiple in silico algorithms, and/or has population frequency not consistent with disease.

NM_017636.4(TRPM4):c.2133-9C>G

Gene: TRPM4 (transient receptor potential cation channel subfamily M member 4; plus strand). Cytogenetic location: 19q13.33.
Variant type: single nucleotide variant.
Coding change: c.2133-9C>G on transcript NM_017636.4 (MANE Select); 9 bases into the intron before coding-DNA position 2133, C replaced by G.
Molecular consequence: intron variant.
Genome position (GRCh38, 1-based): chr19:49,190,687, C>G. VCF-style: chr19-49190687-C-G. GRCh37 (hg19) VCF-style: chr19-49693944-C-G.
Other names: c.2133-9C>G (NM_001195227.2); c.525-9C>G (NM_001321282.2); c.1788-9C>G (NM_001321281.2); c.1611-9C>G (NM_001321283.2); c.1071-9C>G (NM_001321285.2).
Identifiers: ClinVar variation 329859 (VCV000329859.15), dbSNP rs530013543, ClinGen allele CA9569459.
Genomic context (GRCh38, chr19:49,190,687, plus strand): 5'-TTTTGCTGGAGAATGCCTCTCCACCTTCTCTTCCCCTCATTTCTTGCTCTGTGCTTCCCC[C>G]CTTGCTAGGAAATCAGAAGAGGAGCCCACACGGGAGGAGCTAGAGTTTGACATGGATAGT-3'